The following is an entry in ClinVar:

NM_001166108.2(PALLD):c.1965-12900G>T

Gene: PALLD (palladin, cytoskeletal associated protein; plus strand). Cytogenetic location: 4q32.3.
Variant type: single nucleotide variant.
Coding change: c.1965-12900G>T on transcript NM_001166108.2 (MANE Select); 12900 bases into the intron before coding-DNA position 1965, G replaced by T.
Molecular consequence: intron variant. On other transcripts: missense variant (1).
Genome position (GRCh38, 1-based): chr4:168,878,022, G>T. VCF-style: chr4-168878022-G-T. GRCh37 (hg19) VCF-style: chr4-169799173-G-T.
Other names: c.131G>T, p.Ser44Ile (NM_001166110.2); c.1965-12900G>T (NM_016081.4); c.819-12900G>T (NM_001166109.2); c.-157-12900G>T (NM_001367570.1, NM_001367568.1, NM_001367567.1 and 1 more transcripts); short protein forms S44I.
Identifiers: ClinVar variation 3413693 (VCV003413693.1).

ClinVar aggregate classification (germline): Uncertain significance (1 of 4 stars; one submission).

Submission:

Ambry Genetics
Classification: Uncertain significance. Last evaluated: 2024-11-20. Review status: criteria provided, single submitter. Criteria: Ambry Variant Classification Scheme 2023. Collection method: clinical testing. Allele origin: germline.
Comment: The p.S44I variant (also known as c.131G>T), located in coding exon 1 of the PALLD gene, results from a G to T substitution at nucleotide position 131. The serine at codon 44 is replaced by isoleucine, an amino acid with dissimilar properties. This amino acid position is conserved. In addition, this alteration is predicted to be tolerated by in silico analysis. Based on the available evidence, the clinical significance of this variant remains unclear.